The following is an entry in ClinVar:

ClinVar aggregate classification (germline): Conflicting classifications of pathogenicity. Review status: criteria provided, conflicting classifications (1 of 4 stars). 8 submissions from 8 submitters: Pathogenic (3); Likely pathogenic (2); Uncertain significance (1). 2 of the submissions do not count toward it. Last evaluated 2026-01-08.

Conditions:
TYRP1-related disorder. Also called: TYRP1-related condition.
Nonsyndromic Oculocutaneous Albinism.
Oculocutaneous albinism type 3 (OCA3). Also called: ALBINISM III; Albinism, oculocutaneous, type III; Rufous OCA; Rufous albinism; RUFOUS OCULOCUTANEOUS ALBINISM; XANTHISM. Identifiers: Orphanet 79433, MedGen C0342683, MONDO:0008747, OMIM 203290.
MELANESIAN BLOND HAIR (SHEP11). Also called: Skin/hair/eye pigmentation, variation in, 11; SKIN/HAIR/EYE PIGMENTATION 11, BLUE/NONBLUE EYES. Identifiers: MedGen C2677086, OMIM 612271.

Allele frequency attached by ClinVar (database versions not stated): ExAC 0.00003; gnomAD 0.00003 and 0.00004; gnomAD exomes 0.00003; TOPMed 0.00005.
gnomAD v4.1: 66 of 1,612,528 alleles (0.0041%); highest among the groups gnomAD compares: South Asian, 0.0088%; no homozygotes.

Submissions (8):

3billion
Classification: Likely pathogenic for Oculocutaneous albinism type 3. Last evaluated: 2026-01-08. Review status: criteria provided, single submitter. Criteria: ACMG Guidelines, 2015. Collection method: clinical testing. Allele origin: germline. Affected: yes.
Comment: The variant is observed at an extremely low frequency in the gnomAD v4.1.0 dataset (total allele frequency: 0.004%). Predicted Consequence/Location: Missense variant. The majority of the known disease-causing variants of this gene are variants expected to result in premature termination of the protein. In silico tool predictions suggest damaging effect of the variant on gene or gene product [REVEL: 0.90 (>=0.6, sensitivity 0.68 and specificity 0.92)]. The same nucleotide change resulting in the same amino acid change has been previously reported as pathogenic/likely pathogenic with strong evidence (ClinVar ID: VCV000017596 /PMID: 16704458). The variant has been reported to be in trans with a pathogenic variant as either compound heterozygous or homozygous in at least one similarly affected unrelated individual (PMID: 16704458). Therefore, this variant is classified as Likely pathogenic according to the recommendation of ACMG/AMP guideline.

PreventionGenetics, part of Exact Sciences
Classification: Pathogenic for TYRP1-related condition. Last evaluated: 2025-07-03. Review status: criteria provided, single submitter. Criteria: ACMG Guidelines, 2015. Collection method: clinical testing. Allele origin: germline.
Comment: The TYRP1 c.1067G>A variant is predicted to result in the amino acid substitution p.Arg356Gln. This variant has been reported in the homozygous and compound heterozygous states in individuals with oculocutaneous albinism (Rooryck et al. 2006. PubMed ID: 16704458; Shahzad et al. 2017. PubMed ID: 28266639; Zhang et al. 2011. PubMed ID: 21739261). This variant is present in 0.0098% of alleles in individuals of South Asian descent in gnomAD. Given the evidence, we interpret this variant as pathogenic.

GeneDx
Classification: Uncertain significance. Last evaluated: 2025-05-23. Review status: criteria provided, single submitter. Criteria: GeneDx Variant Classification Process June 2021. Collection method: clinical testing. Allele origin: germline.
Comment: Observed with a second TYRP1 variant in unrelated patients in published literature, but it is not known whether the variants occurred on the same (in cis) or on different (in trans) chromosomes in some cases (PMID: 16704458, 21739261, 34838614); In silico analysis supports that this missense variant has a deleterious effect on protein structure/function; This variant is associated with the following publications: (PMID: 23862152, 28661582, 35547362, 38542347, 30868578, 28266639, 34838614, 16704458, 21739261, 37956964)

Fulgent Genetics
Classification: Likely pathogenic for Oculocutaneous albinism type 3; MELANESIAN BLOND HAIR. Last evaluated: 2024-06-16. Review status: criteria provided, single submitter. Criteria: ACMG Guidelines, 2015. Collection method: clinical testing. Allele origin: germline.

Labcorp Genetics (formerly Invitae), Labcorp
Classification: Pathogenic. Last evaluated: 2024-01-19. Review status: criteria provided, single submitter. Criteria: Invitae Variant Classification Sherloc (09022015). Collection method: clinical testing. Allele origin: germline.
Comment: This sequence change replaces arginine, which is basic and polar, with glutamine, which is neutral and polar, at codon 356 of the TYRP1 protein (p.Arg356Gln). This variant is present in population databases (rs281865424, gnomAD 0.01%). This missense change has been observed in individuals with oculocutaneous albinism (PMID: 16704458, 21739261, 28266639). This variant is also known as c.1066G>A. ClinVar contains an entry for this variant (Variation ID: 17596). Advanced modeling of protein sequence and biophysical properties (such as structural, functional, and spatial information, amino acid conservation, physicochemical variation, residue mobility, and thermodynamic stability) performed at Invitae indicates that this missense variant is expected to disrupt TYRP1 protein function with a positive predictive value of 80%. For these reasons, this variant has been classified as Pathogenic.

Blueprint Genetics
Classification: Pathogenic for TYRP1-related disorders. Last evaluated: 2023-07-03. Review status: criteria provided, single submitter. Criteria: ACMG Guidelines, 2015. Collection method: clinical testing. Allele origin: germline. Affected: yes. Observed: 5 variant alleles.

University of Washington Center for Mendelian Genomics, University of Washington
Classification: Likely pathogenic for Nonsyndromic Oculocutaneous Albinism. Last evaluated: 2017-03-07. Review status: no assertion criteria provided. Collection method: research. Allele origin: unknown. Affected: yes. Observed: 3 homozygotes. Not counted in ClinVar's aggregate classification.

OMIM
Classification: Pathogenic for ALBINISM, OCULOCUTANEOUS, TYPE III. Last evaluated: 2006-06-01. Review status: no assertion criteria provided. Collection method: literature only. Allele origin: germline. Not counted in ClinVar's aggregate classification.

Literature cited by the submitters: PubMed 16704458 (cited by 3 submitters); PubMed 21739261 (cited by Labcorp Genetics (formerly Invitae), Labcorp); PubMed 28266639 (cited by Labcorp Genetics (formerly Invitae), Labcorp and University of Washington Center for Mendelian Genomics, University of Washington).

NM_000550.3(TYRP1):c.1067G>A (p.Arg356Gln)

Genes: LURAP1L-AS1 (LURAP1L antisense RNA 1; minus strand), TYRP1 (tyrosinase related protein 1; plus strand). Cytogenetic location: 9p23.
Variant type: single nucleotide variant.
Coding change: c.1067G>A on transcript NM_000550.3 (MANE Select); coding-DNA position 1067, G replaced by A.
Protein change: p.Arg356Gln; replaces arginine 356 with glutamine.
Molecular consequence: missense variant.
Genome position (GRCh38, 1-based): chr9:12,702,424, G>A. VCF-style: chr9-12702424-G-A. GRCh37 (hg19) VCF-style: chr9-12702424-G-A.
Other names: R356E; short protein forms R356Q.
Identifiers: ClinVar variation 17596 (VCV000017596.15), dbSNP rs281865424, ClinGen allele CA127296.